The following is an entry in ClinVar:

NM_001278116.2(L1CAM):c.523+7G>A

Gene: L1CAM (L1 cell adhesion molecule; minus strand). Cytogenetic location: Xq28.
Variant type: single nucleotide variant.
Coding change: c.523+7G>A on transcript NM_001278116.2 (MANE Select); 7 bases into the intron after coding-DNA position 523, G replaced by A.
Molecular consequence: intron variant.
Genome position (GRCh38, 1-based): chrX:153,871,050, C>T on the plus strand (G>A on the coding strand, the complement: L1CAM is on the minus strand). VCF-style: chrX-153871050-C-T. GRCh37 (hg19) VCF-style: chrX-153136505-C-T.
Other names: c.508+7G>A (NM_001143963.2); c.523+7G>A (NM_024003.3, NM_000425.5).
Identifiers: ClinVar variation 4706643 (VCV004706643.1).
Genomic context (GRCh38, chrX:153,871,050, plus strand): 5'-ACCCCGTCCAGGAAGACACCCCCGCTAACACCCCGACCCCACGAGGCAGCCGCTCGCCGG[C>T]ACCCACTGCTGTTCATCCAGTAGATCCGGAGAGGCTCTGCACTTGGGGGAGGGTTGCAAG-3'

ClinVar aggregate classification (germline): Uncertain significance (1 of 4 stars; one submission).

Conditions:
Spastic paraplegia. Identifiers: MedGen C0037772, HP:0001258.

gnomAD v4.1: 1 of 1,211,558 alleles (0.000083%); highest among the groups gnomAD compares: Non-Finnish European, 0.00011%; no homozygotes.

Submission:

Labcorp Genetics (formerly Invitae), Labcorp
Classification: Uncertain significance for Spastic paraplegia. Last evaluated: 2026-01-28. Review status: criteria provided, single submitter. Criteria: Invitae Variant Classification Sherloc (09022015). Collection method: clinical testing. Allele origin: germline.
Comment: This sequence change falls in intron 5 of the L1CAM gene. It does not directly change the encoded amino acid sequence of the L1CAM protein. This variant is not present in population databases (gnomAD no frequency). This variant has not been reported in the literature in individuals affected with L1CAM-related conditions. Algorithms developed to predict the effect of sequence changes on RNA splicing suggest that this variant may create or strengthen a splice site. In summary, the available evidence is currently insufficient to determine the role of this variant in disease. Therefore, it has been classified as a Variant of Uncertain Significance.